The following is an entry in ClinVar:

ClinVar aggregate classification (germline): Uncertain significance (1 of 4 stars; one submission).

Conditions:
Hereditary cancer-predisposing syndrome. Also called: Neoplastic Syndromes, Hereditary; Tumor predisposition; Hereditary neoplastic syndrome; Hereditary Cancer Syndrome. Identifiers: Orphanet 140162, MedGen C0027672, MeSH D009386, MONDO:0015356.

Allele frequency attached by ClinVar (database versions not stated): TOPMed below 0.00001.

Submission:

Ambry Genetics
Classification: Uncertain significance for Hereditary cancer-predisposing syndrome. Last evaluated: 2024-02-01. Review status: criteria provided, single submitter. Criteria: Ambry Variant Classification Scheme 2023. Collection method: clinical testing. Allele origin: germline.
Comment: The p.C11Y variant (also known as c.32G>A), located in coding exon 1 of the ATM gene, results from a G to A substitution at nucleotide position 32. The cysteine at codon 11 is replaced by tyrosine, an amino acid with highly dissimilar properties. This amino acid position is highly conserved in available vertebrate species. In addition, this alteration is predicted to be deleterious by in silico analysis. Based on the available evidence, the clinical significance of this alteration remains unclear.

NM_000051.4(ATM):c.32G>A (p.Cys11Tyr)

Gene: ATM (ATM serine/threonine kinase; plus strand). Cytogenetic location: 11q22.3.
Variant type: single nucleotide variant.
Coding change: c.32G>A on transcript NM_000051.4 (MANE Select); coding-DNA position 32, G replaced by A.
Protein change: p.Cys11Tyr; replaces cysteine 11 with tyrosine.
Molecular consequence: missense variant.
Genome position (GRCh38, 1-based): chr11:108,227,656, G>A. VCF-style: chr11-108227656-G-A. GRCh37 (hg19) VCF-style: chr11-108098383-G-A.
Other names: c.32G>A, p.Cys11Tyr (NM_001351834.2, NM_001351835.2, NM_001351836.2); short protein forms C11Y.
Identifiers: ClinVar variation 3232960 (VCV003232960.1), dbSNP rs1364898025, ClinGen allele CA382519080.